The following is an entry in ClinVar:

ClinVar aggregate classification (germline): Likely benign. Review status: criteria provided, multiple submitters, no conflicts (2 of 4 stars). 5 submissions from 5 submitters: Likely benign (5). Last evaluated 2026-09-06.

Conditions:
Aortic aneurysm, familial thoracic 4 (AAT4). Also called: AORTIC ANEURYSM/AORTIC DISSECTION AND PATENT DUCTUS ARTERIOSUS. Identifiers: MedGen C1851504, MONDO:0007568, OMIM 132900.
Familial thoracic aortic aneurysm and aortic dissection (TAAD). Also called: Thoracic aortic aneurysms and dissections. Identifiers: Orphanet 91387, MedGen C4707243, MONDO:0019625.

Allele frequency attached by ClinVar (database versions not stated): gnomAD exomes 0.00001.
gnomAD v4.1: 11 of 1,614,126 alleles (0.00068%); highest among the groups gnomAD compares: Non-Finnish European, 0.00085%; no homozygotes.

Submissions (5):

Ambry Genetics
Classification: Likely benign for Familial thoracic aortic aneurysm and aortic dissection. Last evaluated: 2026-09-06. Review status: criteria provided, single submitter. Criteria: Ambry Variant Classification Scheme 2023. Collection method: clinical testing. Allele origin: germline.

Labcorp Genetics (formerly Invitae), Labcorp
Classification: Likely benign for Aortic aneurysm, familial thoracic 4. Last evaluated: 2025-06-18. Review status: criteria provided, single submitter. Criteria: Invitae Variant Classification Sherloc (09022015). Collection method: clinical testing. Allele origin: germline.

All of Us Research Program, National Institutes of Health
Classification: Likely benign for Familial thoracic aortic aneurysm and aortic dissection. Last evaluated: 2023-05-23. Review status: criteria provided, single submitter. Criteria: ACMG Guidelines, 2015. Collection method: clinical testing. Allele origin: germline. Inheritance: Autosomal dominant inheritance. Observed: 3 variant alleles, 3 heterozygotes.
Comment: This study involves interpretation of variants in research participants for the purpose of population health screening. Participant phenotype was not available at the time of variant classification. Additional details can be found in publication PMID: 35346344, PMCID: PMC8962531

CHEO Genetics Diagnostic Laboratory, Children's Hospital of Eastern Ontario
Classification: Likely benign for Familial thoracic aortic aneurysm and aortic dissection. Last evaluated: 2021-05-31. Review status: criteria provided, single submitter. Criteria: ACMG Guidelines, 2015. Collection method: clinical testing. Allele origin: germline.

Color Diagnostics, LLC DBA Color Health
Classification: Likely benign for Familial thoracic aortic aneurysm and aortic dissection. Last evaluated: 2020-03-26. Review status: criteria provided, single submitter. Criteria: ACMG Guidelines, 2015. Collection method: clinical testing. Allele origin: germline.

NM_002474.3(MYH11):c.3441G>A (p.Glu1147=)

Gene: MYH11 (myosin heavy chain 11; minus strand). Cytogenetic location: 16p13.11.
Variant type: single nucleotide variant.
Coding change: c.3441G>A on transcript NM_002474.3 (MANE Select); coding-DNA position 3441, G replaced by A.
Protein change: p.Glu1147=; no amino-acid change (glutamic acid 1147 retained).
Molecular consequence: synonymous variant.
Genome position (GRCh38, 1-based): chr16:15,735,431, C>T on the plus strand (G>A on the coding strand, the complement: MYH11 is on the minus strand). VCF-style: chr16-15735431-C-T. GRCh37 (hg19) VCF-style: chr16-15829288-C-T.
Other names: c.3462G>A, p.Glu1154= (NM_001040113.2, NM_001040114.2); c.3441G>A, p.Glu1147= (NM_022844.3); c.3441G>A (NM_002474.2).
Identifiers: ClinVar variation 1109217 (VCV001109217.14), dbSNP rs1567712736, ClinGen allele CA493777069.